The following is an entry in ClinVar:

NM_002292.4(LAMB2):c.3494G>A (p.Arg1165His)

Gene: LAMB2 (laminin subunit beta 2; minus strand). Cytogenetic location: 3p21.31.
Variant type: single nucleotide variant.
Coding change: c.3494G>A on transcript NM_002292.4 (MANE Select); coding-DNA position 3494, G replaced by A.
Protein change: p.Arg1165His; replaces arginine 1165 with histidine.
Molecular consequence: missense variant.
Genome position (GRCh38, 1-based): chr3:49,124,031, C>T on the plus strand (G>A on the coding strand, the complement: LAMB2 is on the minus strand). VCF-style: chr3-49124031-C-T. GRCh37 (hg19) VCF-style: chr3-49161464-C-T.
Other names: short protein forms R1165H.
Identifiers: ClinVar variation 654969 (VCV000654969.4), dbSNP rs374189761, ClinGen allele CA2394027.

ClinVar aggregate classification (germline): Uncertain significance. Review status: criteria provided, multiple submitters, no conflicts (2 of 4 stars). 2 submissions from 2 submitters: Uncertain significance (2). Last evaluated 2024-03-27.

Conditions:
Pierson syndrome. Also called: MICROCORIA-CONGENITAL NEPHROTIC SYNDROME. Identifiers: Orphanet 2670, MedGen C1836876, MONDO:0012184, OMIM 609049.
LAMB2-related infantile-onset nephrotic syndrome. Also called: NEPHROTIC SYNDROME, TYPE 5, WITHOUT OCULAR ABNORMALITIES; NEPHROTIC SYNDROME, TYPE 5, WITH OCULAR ABNORMALITIES; Nephrotic Syndrome, type 5. Identifiers: Orphanet 306507, MedGen C3280113, MONDO:0013621, OMIM 614199.

Allele frequency attached by ClinVar (database versions not stated): gnomAD exomes 0.00003 and 0.00007; ExAC 0.00012; ESP Exome Variant Server 0.00008; TOPMed 0.00007; gnomAD 0.00004.
gnomAD v4.1: 56 of 1,613,484 alleles (0.0035%); highest among the groups gnomAD compares: Non-Finnish European, 0.0042%; no homozygotes.

Submissions (2):

Fulgent Genetics
Classification: Uncertain significance for Pierson syndrome; LAMB2-related infantile-onset nephrotic syndrome. Last evaluated: 2024-03-27. Review status: criteria provided, single submitter. Criteria: ACMG Guidelines, 2015. Collection method: clinical testing. Allele origin: germline.

Labcorp Genetics (formerly Invitae), Labcorp
Classification: Uncertain significance for LAMB2-related infantile-onset nephrotic syndrome; Pierson syndrome. Last evaluated: 2022-07-19. Review status: criteria provided, single submitter. Criteria: Invitae Variant Classification Sherloc (09022015). Collection method: clinical testing. Allele origin: germline.
Comment: This sequence change replaces arginine, which is basic and polar, with histidine, which is basic and polar, at codon 1165 of the LAMB2 protein (p.Arg1165His). This variant is present in population databases (rs374189761, gnomAD 0.02%). This variant has not been reported in the literature in individuals affected with LAMB2-related conditions. ClinVar contains an entry for this variant (Variation ID: 654969). Algorithms developed to predict the effect of missense changes on protein structure and function (SIFT, PolyPhen-2, Align-GVGD) all suggest that this variant is likely to be disruptive. In summary, the available evidence is currently insufficient to determine the role of this variant in disease. Therefore, it has been classified as a Variant of Uncertain Significance.